The following is an entry in ClinVar:

ClinVar aggregate classification (germline): Benign/Likely benign (0 of 4 stars; one submission).

Submission:

ISCA site 19
Classification: Benign/Likely benign. Review status: no assertion criteria provided. Collection method: clinical testing. Allele origin: unknown. Affected: yes. Observed: 2 variant alleles.
Comment: Likely benign (1), Benign (1)

Copy number variation identified through the course of routine clinical cytogenomic testing in postnatal populations, with clinical assertions as classified by the original submitter. For data from the original published study, Kaminsky, et al. 2011 (PubMed 21844811), please see nstd101.

NCBI36/hg18 Xp22.33(chrX:741993-1387210)x3

Variant type: copy number gain.
Identifiers: ClinVar variation 397778 (VCV000397778.2).